The following is an entry in ClinVar:

NM_006432.5(NPC2):c.441+24G>A

Gene: NPC2 (NPC intracellular cholesterol transporter 2; minus strand). Cytogenetic location: 14q24.3.
Variant type: single nucleotide variant.
Coding change: c.441+24G>A on transcript NM_006432.5 (MANE Select); 24 bases into the intron after coding-DNA position 441, G replaced by A.
Molecular consequence: intron variant. On other transcripts: synonymous variant (1).
Genome position (GRCh38, 1-based): chr14:74,480,678, C>T on the plus strand (G>A on the coding strand, the complement: NPC2 is on the minus strand). VCF-style: chr14-74480678-C-T. GRCh37 (hg19) VCF-style: chr14-74947381-C-T.
Other names: c.465G>A, p.Arg155= (NM_001363688.1); c.364-390G>A (NM_001375440.1).
Identifiers: ClinVar variation 3357715 (VCV003357715.1).

ClinVar aggregate classification (germline): Likely benign (0 of 4 stars; one submission).

Conditions:
NPC2-related disorder. Also called: NPC2-related condition.

gnomAD v4.1: 27 of 1,587,264 alleles (0.0017%); highest among the groups gnomAD compares: South Asian, 0.0033%; no homozygotes.

Submission:

PreventionGenetics, part of Exact Sciences
Classification: Likely benign for NPC2-related condition. Last evaluated: 2024-09-24. Review status: no assertion criteria provided. Collection method: clinical testing. Allele origin: germline.
Comment: This variant is classified as likely benign based on ACMG/AMP sequence variant interpretation guidelines (Richards et al. 2015 PMID: 25741868, with internal and published modifications).